The following is an entry in ClinVar:

NM_014055.4(IFT81):c.1869A>C (p.Lys623Asn)

Gene: IFT81 (intraflagellar transport 81; plus strand). Cytogenetic location: 12q24.11.
Variant type: single nucleotide variant.
Coding change: c.1869A>C on transcript NM_014055.4 (MANE Select); coding-DNA position 1869, A replaced by C.
Protein change: p.Lys623Asn; replaces lysine 623 with asparagine.
Molecular consequence: missense variant. On other transcripts: non-coding transcript variant (4).
Genome position (GRCh38, 1-based): chr12:110,218,064, A>C. VCF-style: chr12-110218064-A-C. GRCh37 (hg19) VCF-style: chr12-110655869-A-C.
Other names: c.1869A>C, p.Lys623Asn (NM_001143779.2); c.939A>C, p.Lys313Asn (NM_001347947.2, NM_001347948.2); short protein forms K313N, K623N.
Identifiers: ClinVar variation 1422128 (VCV001422128.3), dbSNP rs982886307, ClinGen allele CA243933520.
Genomic context (GRCh38, chr12:110,218,064, plus strand): 5'-TAACTGAGATTTAATTATTCTTGTTTTTTTTTAATGATAGAAACTTCGGGAAAAACAAAA[A>C]GTTATACGAGAAAGTCATGGTCCAAATATGAAACAAGCAAAAATGTGGCGTGATTTGGAA-3'
Protein context (NP_054774.2, residues 613-633): NLGKKLREKQ[Lys623Asn]VIRESHGPNM

ClinVar aggregate classification (germline): Uncertain significance (1 of 4 stars; one submission).

gnomAD v4.1: 4 of 1,600,130 alleles (0.00025%); highest among the groups gnomAD compares: Non-Finnish European, 0.00034%; no homozygotes.

Submission:

Labcorp Genetics (formerly Invitae), Labcorp
Classification: Uncertain significance. Last evaluated: 2022-09-01. Review status: criteria provided, single submitter. Criteria: Invitae Variant Classification Sherloc (09022015). Collection method: clinical testing. Allele origin: germline.
Comment: This sequence change replaces lysine, which is basic and polar, with asparagine, which is neutral and polar, at codon 623 of the IFT81 protein (p.Lys623Asn). This variant is not present in population databases (gnomAD no frequency). This variant has not been reported in the literature in individuals affected with IFT81-related conditions. ClinVar contains an entry for this variant (Variation ID: 1422128). Algorithms developed to predict the effect of missense changes on protein structure and function are either unavailable or do not agree on the potential impact of this missense change (SIFT: "Deleterious"; PolyPhen-2: "Probably Damaging"; Align-GVGD: "Class C0"). In summary, the available evidence is currently insufficient to determine the role of this variant in disease. Therefore, it has been classified as a Variant of Uncertain Significance.